The following is an entry in ClinVar:

NM_004714.3(DYRK1B):c.1586C>T (p.Pro529Leu)

Gene: DYRK1B (dual specificity tyrosine phosphorylation regulated kinase 1B; minus strand). Cytogenetic location: 19q13.2.
Variant type: single nucleotide variant.
Coding change: c.1586C>T on transcript NM_004714.3 (MANE Select); coding-DNA position 1586, C replaced by T.
Protein change: p.Pro529Leu; replaces proline 529 with leucine.
Molecular consequence: missense variant.
Genome position (GRCh38, 1-based): chr19:39,826,019, G>A on the plus strand (C>T on the coding strand, the complement: DYRK1B is on the minus strand). VCF-style: chr19-39826019-G-A. GRCh37 (hg19) VCF-style: chr19-40316659-G-A.
Other names: c.1466C>T, p.Pro489Leu (NM_006483.3); c.1502C>T, p.Pro501Leu (NM_006484.3); c.1586C>T (NM_004714.2); short protein forms P489L, P501L, P529L.
Identifiers: ClinVar variation 3274222 (VCV003274222.2).

ClinVar aggregate classification (germline): Uncertain significance. Review status: criteria provided, multiple submitters, no conflicts (2 of 4 stars). 2 submissions from 2 submitters: Uncertain significance (2). Last evaluated 2025-05-19.

Conditions:
Inborn genetic diseases. Identifiers: MedGen C0950123, MeSH D030342.
DYRK1B-related disorder. Also called: DYRK1B-related condition.

Submissions (2):

PreventionGenetics, part of Exact Sciences
Classification: Uncertain significance for DYRK1B-related condition. Last evaluated: 2025-05-19. Review status: criteria provided, single submitter. Criteria: ACMG Guidelines, 2015. Collection method: clinical testing. Allele origin: germline.
Comment: The DYRK1B c.1586C>T variant is predicted to result in the amino acid substitution p.Pro529Leu. To our knowledge, this variant has not been reported in individuals with DYRK1B-related disorders in the literature. This variant was reported in 13 alleles in individuals of European (Non-Finnish) descent in gnomAD v4 (available only on GRCh38). At this time, the clinical significance of this variant is uncertain due to the absence of conclusive functional and genetic evidence.

Ambry Genetics
Classification: Uncertain significance for Inborn genetic diseases. Last evaluated: 2024-04-26. Review status: criteria provided, single submitter. Criteria: Ambry Variant Classification Scheme 2023. Collection method: clinical testing. Allele origin: germline.